The following is an entry in ClinVar:

ClinVar aggregate classification (germline): Uncertain significance (1 of 4 stars; one submission).

Submission:

GeneDx
Classification: Uncertain significance. Last evaluated: 2026-04-23. Review status: criteria provided, single submitter. Criteria: GeneDx Variant Classification Process June 2021. Collection method: clinical testing. Allele origin: germline.
Comment: Not observed at significant frequency in large population cohorts (gnomAD); Nonsense variant predicted to result in protein truncation or nonsense mediated decay in a gene or region of a gene for which loss of function is not a well-established mechanism of disease; Has not been previously published as pathogenic or benign to our knowledge

NM_002516.4(NOVA2):c.310C>T (p.Arg104Ter)

Gene: NOVA2 (NOVA alternative splicing regulator 2; minus strand). Cytogenetic location: 19q13.32.
Variant type: single nucleotide variant.
Coding change: c.310C>T on transcript NM_002516.4 (MANE Select); coding-DNA position 310, C replaced by T.
Protein change: p.Arg104Ter; replaces arginine 104 with a stop codon.
Molecular consequence: nonsense.
Genome position (GRCh38, 1-based): chr19:45,953,866, G>A on the plus strand (C>T on the coding strand, the complement: NOVA2 is on the minus strand). VCF-style: chr19-45953866-G-A. GRCh37 (hg19) VCF-style: chr19-46457124-G-A.
Other names: short protein forms R104*.
Identifiers: ClinVar variation 1712652 (VCV001712652.3), dbSNP rs2513860620, ClinGen allele CA406440928.
Genomic context (GRCh38, chr19:45,953,866, plus strand): 5'-TGGTTTGGGGTTGAAGGATGTTGACCACCTCAGGCTTGGTCATCGCTTGTGGGATTTCTC[G>A]GACCTTCTCGGCAATAAAGCTGTGCACAGCATTCAAGGCCTCTGCCGTGCCCTGTACTAG-3'